The following is an entry in ClinVar:

ClinVar aggregate classification (germline): Likely benign (1 of 4 stars; one submission).

Allele frequency attached by ClinVar (database versions not stated): TOPMed 0.00001; gnomAD exomes 0.00003 and 0.00004; ExAC 0.00004.
gnomAD v4.1: 56 of 1,613,442 alleles (0.0035%); highest among the groups gnomAD compares: South Asian, 0.0099%; no homozygotes.

Submission:

GeneDx
Classification: Likely benign. Last evaluated: 2015-11-05. Review status: criteria provided, single submitter. Criteria: GeneDx Variant Classification (06012015). Collection method: clinical testing. Allele origin: germline. Affected: yes.
Comment: This variant is considered likely benign or benign based on one or more of the following criteria: it is a conservative change, it occurs at a poorly conserved position in the protein, it is predicted to be benign by multiple in silico algorithms, and/or has population frequency not consistent with disease.

NM_006393.3(NEBL):c.2518+20C>T

Gene: NEBL (nebulette; minus strand). Cytogenetic location: 10p12.31.
Variant type: single nucleotide variant.
Coding change: c.2518+20C>T on transcript NM_006393.3 (MANE Select); 20 bases into the intron after coding-DNA position 2518, C replaced by T.
Molecular consequence: intron variant.
Genome position (GRCh38, 1-based): chr10:20,812,749, G>A on the plus strand (C>T on the coding strand, the complement: NEBL is on the minus strand). VCF-style: chr10-20812749-G-A. GRCh37 (hg19) VCF-style: chr10-21101678-G-A.
Other names: c.421+20C>T (NM_001377326.1, NM_001377327.1, NM_001377328.1); c.529+20C>T (NM_213569.2, NM_001173484.2, NM_001377322.1); c.472+20C>T (NM_001377324.1); c.463+20C>T (NM_001377325.1); c.481+20C>T (NM_001377323.1).
Identifiers: ClinVar variation 381153 (VCV000381153.1), dbSNP rs755901579, ClinGen allele CA5432460.